The following is an entry in ClinVar:

NM_002202.3(ISL1):c.276G>A (p.Val92=)

Gene: ISL1 (ISL LIM homeobox 1; plus strand). Cytogenetic location: 5q11.1.
Variant type: single nucleotide variant.
Coding change: c.276G>A on transcript NM_002202.3 (MANE Select); coding-DNA position 276, G replaced by A.
Protein change: p.Val92=; no amino-acid change (valine 92 retained).
Molecular consequence: synonymous variant.
Genome position (GRCh38, 1-based): chr5:51,387,547, G>A. VCF-style: chr5-51387547-G-A. GRCh37 (hg19) VCF-style: chr5-50683381-G-A.
Identifiers: ClinVar variation 3036423 (VCV003036423.2), dbSNP rs376610562, ClinGen allele CA3260953.
Genomic context (GRCh38, chr5:51,387,547, plus strand): 5'-CAGGTTGTACGGGATCAAATGCGCCAAGTGCAGCATCGGCTTCAGCAAGAACGACTTCGT[G>A]ATGCGTGCCCGCTCCAAGGTGTATCACATCGAGTGTTTCCGCTGTGTGGCCTGCAGCCGC-3'
Protein context (NP_002193.2, residues 82-102): CSIGFSKNDF[Val92=]MRARSKVYHI

ClinVar aggregate classification (germline): Likely benign (0 of 4 stars; one submission).

Conditions:
ISL1-related disorder. Also called: ISL1-related condition.

Allele frequency attached by ClinVar (database versions not stated): gnomAD exomes 0.00003; ExAC 0.00013; 1000 Genomes Project 0.00020; gnomAD 0.00029; TOPMed 0.00035; 1000 Genomes Project 30x 0.00047; ESP Exome Variant Server 0.00055.
gnomAD v4.1: 88 of 1,614,228 alleles (0.0055%); highest among the groups gnomAD compares: African/African-American, 0.099%; no homozygotes.

Submission:

PreventionGenetics, part of Exact Sciences
Classification: Likely benign for ISL1-related condition. Last evaluated: 2022-01-13. Review status: no assertion criteria provided. Collection method: clinical testing. Allele origin: germline.
Comment: This variant is classified as likely benign based on ACMG/AMP sequence variant interpretation guidelines (Richards et al. 2015 PMID: 25741868, with internal and published modifications).